The following is an entry in ClinVar:

NM_181882.3(PRX):c.2857C>T (p.Arg953Ter)

Gene: PRX (periaxin; minus strand). Cytogenetic location: 19q13.2.
Variant type: single nucleotide variant.
Coding change: c.2857C>T on transcript NM_181882.3 (MANE Select); coding-DNA position 2857, C replaced by T.
Protein change: p.Arg953Ter; replaces arginine 953 with a stop codon.
Molecular consequence: nonsense. On other transcripts: 3 prime UTR variant (1).
Genome position (GRCh38, 1-based): chr19:40,395,495, G>A on the plus strand (C>T on the coding strand, the complement: PRX is on the minus strand). VCF-style: chr19-40395495-G-A. GRCh37 (hg19) VCF-style: chr19-40901402-G-A.
Other names: c.*3062C>T (NM_020956.2); short protein forms R953*.
Identifiers: ClinVar variation 4787 (VCV000004787.58), dbSNP rs104894714, ClinGen allele CA117076.

ClinVar aggregate classification (germline): Pathogenic. Review status: criteria provided, multiple submitters, no conflicts (2 of 4 stars). 8 submissions from 8 submitters: Pathogenic (7). 1 of the submissions does not count toward it. Last evaluated 2025-08-04.

Conditions:
PRX-related disorder. Also called: PRX-Related Disorders; PRX-related condition.
Charcot-Marie-Tooth disease. Also called: Charcot-Marie-Tooth Hereditary Neuropathy; Charcot-Marie-Tooth Neuropathy. Identifiers: Orphanet 166, MedGen C0007959, MONDO:0015626.
Charcot-Marie-Tooth disease type 4. Also called: Charcot-Marie-Tooth disease, type IV; Charcot-Marie-Tooth, Type 4. Identifiers: Orphanet 64749, MedGen C4082197, MONDO:0018995.
Autosomal recessive Dejerine-Sottas syndrome. Also called: Autosomal recessive Dejerine-sottas neuropathy. Identifiers: MedGen CN069172.
Charcot-Marie-Tooth disease type 4F. Also called: Charcot-Marie-Tooth disease, demyelinating, type 4F. Identifiers: Orphanet 99952, MedGen C3540453, MONDO:0013959, OMIM 614895.

Allele frequency attached by ClinVar (database versions not stated): gnomAD exomes 0.00001 and 0.00003; TOPMed 0.00001; ExAC 0.00004.
gnomAD v4.1: 10 of 1,613,812 alleles (0.00062%); highest among the groups gnomAD compares: Admixed American, 0.0033%; no homozygotes.

Submissions (8):

PreventionGenetics, part of Exact Sciences
Classification: Pathogenic for PRX-related condition. Last evaluated: 2025-08-04. Review status: criteria provided, single submitter. Criteria: ACMG Guidelines, 2015. Collection method: clinical testing. Allele origin: germline.
Comment: The PRX c.2857C>T variant is predicted to result in premature protein termination (p.Arg953*). This variant is predicted to cause loss of normal protein function through the loss of the last 509 amino acids of the Periaxin protein, and other loss-of-function variants have been reported downstream of this variant (Human Gene Mutation Database (HGMD)). Nonsense variants in PRX are expected to be pathogenic. This variant is reported in 0.011% of alleles in individuals of East Asian descent in gnomAD. This variant is interpreted as pathogenic for autosomal recessive PRX-related disorders.

GeneDx
Classification: Pathogenic. Last evaluated: 2024-12-31. Review status: criteria provided, single submitter. Criteria: GeneDx Variant Classification Process June 2021. Collection method: clinical testing. Allele origin: germline. Affected: yes.
Comment: Nonsense variant predicted to result in protein truncation, as the last 509 amino acid(s) are lost, and other loss-of-function variants have been reported downstream in HGMD; This variant is associated with the following publications: (PMID: 22847150, 25326635, 24011642, 11133365, 31589614, 32376792, 36623372)

Labcorp Genetics (formerly Invitae), Labcorp
Classification: Pathogenic for Charcot-Marie-Tooth disease type 4. Last evaluated: 2024-11-05. Review status: criteria provided, single submitter. Criteria: Invitae Variant Classification Sherloc (09022015). Collection method: clinical testing. Allele origin: germline.
Comment: This sequence change creates a premature translational stop signal (p.Arg953*) in the PRX gene. While this is not anticipated to result in nonsense mediated decay, it is expected to disrupt the last 509 amino acid(s) of the PRX protein. This variant is present in population databases (rs104894714, gnomAD 0.01%). This premature translational stop signal has been observed in individuals with Dejerine-Sottas syndrome (PMID: 11133365). ClinVar contains an entry for this variant (Variation ID: 4787). This variant disrupts a region of the PRX protein in which other variant(s) (p.R1070*) have been determined to be pathogenic (PMID: 15197604, 16770524, 22847150). This suggests that this is a clinically significant region of the protein, and that variants that disrupt it are likely to be disease-causing. For these reasons, this variant has been classified as Pathogenic.

Athena Diagnostics
Classification: Pathogenic. Last evaluated: 2019-03-11. Review status: criteria provided, single submitter. Criteria: Athena Diagnostics Criteria. Collection method: clinical testing. Allele origin: germline.
Comment: The variant creates a premature nonsense codon, and is therefore predicted to result in the loss of a functional protein. Found in at least one symptomatic patient, and found in general population data that is consistent with pathogenicity.

CeGaT Center for Human Genetics Tuebingen
Classification: Pathogenic. Last evaluated: 2018-01-01. Review status: criteria provided, single submitter. Criteria: CeGaT Center For Human Genetics Tuebingen Variant Classification Criteria Version 2. Collection method: clinical testing. Allele origin: germline. Affected: yes. Observed: 1 variant allele.

Baylor Genetics
Classification: Pathogenic for Charcot-Marie-Tooth disease type 4F. Last evaluated: 2017-09-01. Review status: criteria provided, single submitter. Criteria: ACMG Guidelines, 2015. Collection method: clinical testing. Allele origin: germline. Inheritance: Autosomal recessive inheritance. Affected: yes.
Comment: Heterozygotes are expected to be asymptomatic carriers.

Molecular Genetics Laboratory, London Health Sciences Centre
Classification: Pathogenic for Charcot-Marie-Tooth disease. Review status: criteria provided, single submitter. Criteria: ACMG Guidelines, 2015. Collection method: clinical testing. Allele origin: germline. Affected: yes.

OMIM
Classification: Pathogenic for DEJERINE-SOTTAS NEUROPATHY, AUTOSOMAL RECESSIVE. Last evaluated: 2001-02-01. Review status: no assertion criteria provided. Collection method: literature only. Allele origin: germline. Not counted in ClinVar's aggregate classification.

Literature cited by the submitters: PubMed 11133365 (cited by 4 submitters); PubMed 15197604 (cited by Labcorp Genetics (formerly Invitae), Labcorp); PubMed 16770524 (cited by Labcorp Genetics (formerly Invitae), Labcorp); PubMed 22847150 (cited by Labcorp Genetics (formerly Invitae), Labcorp); PubMed 25326635 (cited by Baylor Genetics).